The following is an entry in ClinVar:

NM_000304.4(PMP22):c.-23G>A

Gene: PMP22 (peripheral myelin protein 22; minus strand). Cytogenetic location: 17p12.
Variant type: single nucleotide variant.
Coding change: c.-23G>A on transcript NM_000304.4 (MANE Select); 23 bases upstream of the start codon, G replaced by A.
Molecular consequence: 5 prime UTR variant.
Genome position (GRCh38, 1-based): chr17:15,260,750, C>T on the plus strand (G>A on the coding strand, the complement: PMP22 is on the minus strand). VCF-style: chr17-15260750-C-T. GRCh37 (hg19) VCF-style: chr17-15164067-C-T.
Other names: c.-23G>A (NM_001281455.2, NM_001281456.2, NM_001330143.2 and 2 more transcripts).
Identifiers: ClinVar variation 382641 (VCV000382641.1), dbSNP rs1057521404, ClinGen allele CA16608383.

ClinVar aggregate classification (germline): Likely benign (1 of 4 stars; one submission).

Submission:

GeneDx
Classification: Likely benign. Last evaluated: 2016-01-11. Review status: criteria provided, single submitter. Criteria: GeneDx Variant Classification (06012015). Collection method: clinical testing. Allele origin: germline. Affected: yes.
Comment: This variant is considered likely benign or benign based on one or more of the following criteria: it is a conservative change, it occurs at a poorly conserved position in the protein, it is predicted to be benign by multiple in silico algorithms, and/or has population frequency not consistent with disease.